The following is an entry in ClinVar:

ClinVar aggregate classification (germline): Benign/Likely benign. Review status: criteria provided, multiple submitters, no conflicts (2 of 4 stars). 4 submissions from 4 submitters: Benign (1); Likely benign (3). Last evaluated 2025-07-21.

Conditions:
Birt-Hogg-Dube syndrome 1 (BHD1). Also called: FIBROFOLLICULOMAS WITH TRICHODISCOMAS AND ACROCHORDONS. Identifiers: Orphanet 122, MedGen CN375946, MONDO:0800445, OMIM 135150.
Hereditary cancer-predisposing syndrome. Also called: Hereditary neoplastic syndrome; Neoplastic Syndromes, Hereditary; Tumor predisposition; Hereditary Cancer Syndrome. Identifiers: Orphanet 140162, MedGen C0027672, MeSH D009386, MONDO:0015356.
Birt-Hogg-Dube syndrome. Also called: Birt Hogg Dubé syndrome. Identifiers: Orphanet 122, MedGen C0346010, MONDO:0800444.

gnomAD v4.1: 9 of 1,614,010 alleles (0.00056%); highest among the groups gnomAD compares: African/African-American, 0.0013%; no homozygotes.

Submissions (4):

Labcorp Genetics (formerly Invitae), Labcorp
Classification: Likely benign for Birt-Hogg-Dube syndrome. Last evaluated: 2025-07-21. Review status: criteria provided, single submitter. Criteria: Invitae Variant Classification Sherloc (09022015). Collection method: clinical testing. Allele origin: germline.

Myriad Genetics, Inc.
Classification: Benign for Birt-Hogg-Dube syndrome 1. Last evaluated: 2024-10-24. Review status: criteria provided, single submitter. Criteria: Myriad Autosomal Dominant, Autosomal Recessive and X-Linked Classification Criteria (2023). Collection method: clinical testing. Allele origin: unknown.
Comment: This variant is considered benign. This variant is a silent/synonymous amino acid change and it is not expected to impact splicing.

Ambry Genetics
Classification: Likely benign for Hereditary cancer-predisposing syndrome. Last evaluated: 2019-12-10. Review status: criteria provided, single submitter. Criteria: Ambry Variant Classification Scheme 2023. Collection method: clinical testing. Allele origin: germline.

GeneDx
Classification: Likely benign. Last evaluated: 2018-05-16. Review status: criteria provided, single submitter. Criteria: GeneDx Variant Classification (06012015). Collection method: clinical testing. Allele origin: germline. Affected: yes.
Comment: This variant is considered likely benign or benign based on one or more of the following criteria: it is a conservative change, it occurs at a poorly conserved position in the protein, it is predicted to be benign by multiple in silico algorithms, and/or has population frequency not consistent with disease.

NM_144997.7(FLCN):c.1314C>T (p.Ile438=)

Gene: FLCN (folliculin; minus strand). Cytogenetic location: 17p11.2.
Variant type: single nucleotide variant.
Coding change: c.1314C>T on transcript NM_144997.7 (MANE Select); coding-DNA position 1314, C replaced by T.
Protein change: p.Ile438=; no amino-acid change (isoleucine 438 retained).
Molecular consequence: synonymous variant.
Genome position (GRCh38, 1-based): chr17:17,215,303, G>A on the plus strand (C>T on the coding strand, the complement: FLCN is on the minus strand). VCF-style: chr17-17215303-G-A. GRCh37 (hg19) VCF-style: chr17-17118617-G-A.
Other names: c.1314C>T (LRG_325t1); c.1368C>T, p.Ile456= (NM_001353229.2); c.1314C>T, p.Ile438= (NM_001353230.2, NM_001353231.2).
Identifiers: ClinVar variation 460590 (VCV000460590.15), dbSNP rs771247255, ClinGen allele CA8416032.